The following is an entry in ClinVar:

ClinVar aggregate classification (germline): Likely pathogenic (1 of 4 stars; one submission).

gnomAD v4.1: 3 of 1,422,002 alleles (0.00021%); highest among the groups gnomAD compares: Admixed American, 0.0057%; no homozygotes.

Submission:

Labcorp Genetics (formerly Invitae), Labcorp
Classification: Likely pathogenic. Last evaluated: 2024-09-12. Review status: criteria provided, single submitter. Criteria: Invitae Variant Classification Sherloc (09022015). Collection method: clinical testing. Allele origin: germline.
Comment: This sequence change affects a donor splice site in intron 8 of the PPP3CA gene. It is expected to disrupt RNA splicing. Variants that disrupt the donor or acceptor splice site typically lead to a loss of protein function (PMID: 16199547), and loss-of-function variants in PPP3CA are known to be pathogenic (PMID: 30254215, 30951195). This variant is present in population databases (rs754204632, gnomAD 0.01%). This variant has not been reported in the literature in individuals affected with PPP3CA-related conditions. In summary, the currently available evidence indicates that the variant is pathogenic, but additional data are needed to prove that conclusively. Therefore, this variant has been classified as Likely Pathogenic.

Literature cited by the submitters: PubMed 16199547; PubMed 30254215; PubMed 30951195.

NM_000944.5(PPP3CA):c.955+2T>C

Gene: PPP3CA (protein phosphatase 3 catalytic subunit alpha; minus strand). Cytogenetic location: 4q24.
Variant type: single nucleotide variant.
Coding change: c.955+2T>C on transcript NM_000944.5 (MANE Select); the canonical splice donor site of the intron after coding-DNA position 955, T replaced by C.
Molecular consequence: splice donor variant.
Genome position (GRCh38, 1-based): chr4:101,080,530, A>G on the plus strand (T>C on the coding strand, the complement: PPP3CA is on the minus strand). VCF-style: chr4-101080530-A-G. GRCh37 (hg19) VCF-style: chr4-102001687-A-G.
Other names: c.955+2T>C (NM_001130692.2, NM_001130691.2).
Identifiers: ClinVar variation 3688198 (VCV003688198.2).
Genomic context (GRCh38, chr4:101,080,530, plus strand): 5'-AACGGCTTAAGAATTATTACACATATTATGTAAGACTGCAAGAGGTATTTAAAAACACTT[A>G]CCTTTGTTATTGTATACATCTAAGTAATTTGGTGCTGAAAAAATTGTAATTAGAGAAGGG-3'